The following is an entry in ClinVar:

NM_001164508.2(NEB):c.23705T>C (p.Val7902Ala)

Genes: NEB (nebulin; minus strand), RIF1 (replication timing regulatory factor 1; plus strand). Cytogenetic location: 2q23.3.
Variant type: single nucleotide variant.
Coding change: c.23705T>C on transcript NM_001164508.2 (MANE Select); coding-DNA position 23705, T replaced by C.
Protein change: p.Val7902Ala; replaces valine 7902 with alanine.
Molecular consequence: missense variant.
Genome position (GRCh38, 1-based): chr2:151,505,515, A>G on the plus strand (T>C on the coding strand, the complement: NEB is on the minus strand). VCF-style: chr2-151505515-A-G. GRCh37 (hg19) VCF-style: chr2-152362029-A-G.
Other names: c.18602T>C, p.Val6201Ala (NM_004543.5); c.23705T>C, p.Val7902Ala (NM_001164507.2); c.23810T>C, p.Val7937Ala (NM_001271208.2); short protein forms V7902A, V6201A, V7937A.
Identifiers: ClinVar variation 1973607 (VCV001973607.2), dbSNP rs2068098810, ClinGen allele CA348783223.

ClinVar aggregate classification (germline): Uncertain significance (1 of 4 stars; one submission).

Conditions:
Nemaline myopathy 2 (NEM2). Also called: Nemaline myopathy 2, autosomal recessive. Identifiers: MedGen C1850569, MONDO:0009725, OMIM 256030.

Allele frequency attached by ClinVar (database versions not stated): TOPMed 0.00001.

Submission:

Labcorp Genetics (formerly Invitae), Labcorp
Classification: Uncertain significance for Nemaline myopathy 2. Last evaluated: 2021-10-08. Review status: criteria provided, single submitter. Criteria: Invitae Variant Classification Sherloc (09022015). Collection method: clinical testing. Allele origin: germline.
Comment: This sequence change replaces valine with alanine at codon 7937 of the NEB protein (p.Val7937Ala). The valine residue is moderately conserved and there is a small physicochemical difference between valine and alanine. This variant is not present in population databases (ExAC no frequency). This variant has not been reported in the literature in individuals affected with NEB-related conditions. Algorithms developed to predict the effect of missense changes on protein structure and function are either unavailable or do not agree on the potential impact of this missense change (SIFT: "Deleterious"; PolyPhen-2: "Not Available"; Align-GVGD: "Class C0"). In summary, the available evidence is currently insufficient to determine the role of this variant in disease. Therefore, it has been classified as a Variant of Uncertain Significance.